The following is an entry in ClinVar:

ClinVar aggregate classification (germline): Uncertain significance (1 of 4 stars; one submission).

Allele frequency attached by ClinVar (database versions not stated): gnomAD 0.00001; gnomAD exomes 0.00001; ExAC 0.00002.
gnomAD v4.1: 5 of 1,614,016 alleles (0.00031%); highest among the groups gnomAD compares: Non-Finnish European, 0.00034%; no homozygotes.

Submission:

Labcorp Genetics (formerly Invitae), Labcorp
Classification: Uncertain significance. Last evaluated: 2022-06-04. Review status: criteria provided, single submitter. Criteria: Invitae Variant Classification Sherloc (09022015). Collection method: clinical testing. Allele origin: germline.
Comment: This sequence change replaces serine, which is neutral and polar, with arginine, which is basic and polar, at codon 264 of the DMP1 protein (p.Ser264Arg). This variant is not present in population databases (gnomAD no frequency). This variant has not been reported in the literature in individuals affected with DMP1-related conditions. Algorithms developed to predict the effect of missense changes on protein structure and function output the following: SIFT: "Tolerated"; PolyPhen-2: "Benign"; Align-GVGD: "Class C0". The arginine amino acid residue is found in multiple mammalian species, which suggests that this missense change does not adversely affect protein function. In summary, the available evidence is currently insufficient to determine the role of this variant in disease. Therefore, it has been classified as a Variant of Uncertain Significance.

NM_004407.4(DMP1):c.790A>C (p.Ser264Arg)

Genes: DMP1 (dentin matrix acidic phosphoprotein 1; plus strand), DMP1-AS1 (DMP1 and DSPP antisense RNA 1; minus strand). Cytogenetic location: 4q22.1.
Variant type: single nucleotide variant.
Coding change: c.790A>C on transcript NM_004407.4 (MANE Select); coding-DNA position 790, A replaced by C.
Protein change: p.Ser264Arg; replaces serine 264 with arginine.
Molecular consequence: missense variant.
Genome position (GRCh38, 1-based): chr4:87,662,568, A>C. VCF-style: chr4-87662568-A-C. GRCh37 (hg19) VCF-style: chr4-88583720-A-C.
Other names: c.742A>C, p.Ser248Arg (NM_001079911.3); short protein forms S248R, S264R.
Identifiers: ClinVar variation 2173208 (VCV002173208.4), dbSNP rs769382267, ClinGen allele CA3002090.
Genomic context (GRCh38, chr4:87,662,568, plus strand): 5'-GAAAACAGTGAGCAAGCAAACACTCAAGATTCAGGTGGCAGCCAATTGCTGGAGCATCCC[A>C]GTAGGAAAATTTTTAGGAAGTCTCGCATCTCAGAGGAAGATGACAGAAGCGAGCTTGATG-3'
Protein context (NP_004398.1, residues 254-274): SGGSQLLEHP[Ser264Arg]RKIFRKSRIS